The following is an entry in ClinVar:

ClinVar aggregate classification (germline): Uncertain significance. Review status: criteria provided, multiple submitters, no conflicts (2 of 4 stars). 2 submissions from 2 submitters: Uncertain significance (2). Last evaluated 2026-01-28.

Allele frequency attached by ClinVar (database versions not stated): gnomAD exomes below 0.00001 and 0.00001; TOPMed below 0.00001; gnomAD 0.00001; ExAC 0.00002.
gnomAD v4.1: 10 of 1,522,738 alleles (0.00066%); highest among the groups gnomAD compares: East Asian, 0.0068%; no homozygotes.

Submissions (2):

Labcorp Genetics (formerly Invitae), Labcorp
Classification: Uncertain significance. Last evaluated: 2026-01-28. Review status: criteria provided, single submitter. Criteria: Invitae Variant Classification Sherloc (09022015). Collection method: clinical testing. Allele origin: germline.
Comment: This sequence change replaces glutamic acid, which is acidic and polar, with aspartic acid, which is acidic and polar, at codon 190 of the MYLK3 protein (p.Glu190Asp). This variant is present in population databases (rs770673174, gnomAD 0.01%). This variant has not been reported in the literature in individuals affected with MYLK3-related conditions. ClinVar contains an entry for this variant (Variation ID: 1357616). An algorithm developed to predict the effect of missense changes on protein structure and function (PolyPhen-2) suggests that this variant is likely to be tolerated. In summary, the available evidence is currently insufficient to determine the role of this variant in disease. Therefore, it has been classified as a Variant of Uncertain Significance.

Ambry Genetics
Classification: Uncertain significance. Last evaluated: 2025-08-31. Review status: criteria provided, single submitter. Criteria: Ambry Variant Classification Scheme 2023. Collection method: clinical testing. Allele origin: germline.

NM_182493.3(MYLK3):c.570G>C (p.Glu190Asp)

Gene: MYLK3 (myosin light chain kinase 3; minus strand). Cytogenetic location: 16q11.2.
Variant type: single nucleotide variant.
Coding change: c.570G>C on transcript NM_182493.3 (MANE Select); coding-DNA position 570, G replaced by C.
Protein change: p.Glu190Asp; replaces glutamic acid 190 with aspartic acid.
Molecular consequence: missense variant. On other transcripts: intron variant (1).
Genome position (GRCh38, 1-based): chr16:46,738,142, C>G on the plus strand (G>C on the coding strand, the complement: MYLK3 is on the minus strand). VCF-style: chr16-46738142-C-G. GRCh37 (hg19) VCF-style: chr16-46772054-C-G.
Other names: c.570G>C (NM_182493.2); c.-23+1915G>C (NM_001308301.1); short protein forms E190D.
Identifiers: ClinVar variation 1357616 (VCV001357616.10), dbSNP rs770673174, ClinGen allele CA8038196.